The following is an entry in ClinVar:

ClinVar aggregate classification (germline): Conflicting classifications of pathogenicity. Review status: criteria provided, conflicting classifications (1 of 4 stars). 3 submissions from 3 submitters: Uncertain significance (2); Benign (1). Last evaluated 2025-09-24.

Conditions:
Patterned macular dystrophy 2. Identifiers: Orphanet 99001, MedGen C1837029, MONDO:0012162, OMIM 608970.
Hereditary cancer-predisposing syndrome. Also called: Hereditary Cancer Syndrome; Tumor predisposition; Hereditary neoplastic syndrome; Neoplastic Syndromes, Hereditary. Identifiers: Orphanet 140162, MedGen C0027672, MeSH D009386, MONDO:0015356.

Allele frequency attached by ClinVar (database versions not stated): TOPMed 0.00001; gnomAD exomes 0.00003 and 0.00007; ExAC 0.00010.
gnomAD v4.1: 44 of 1,614,108 alleles (0.0027%); highest among the groups gnomAD compares: South Asian, 0.04%; no homozygotes.

Submissions (3):

Labcorp Genetics (formerly Invitae), Labcorp
Classification: Uncertain significance. Last evaluated: 2025-09-24. Review status: criteria provided, single submitter. Criteria: Invitae Variant Classification Sherloc (09022015). Collection method: clinical testing. Allele origin: germline.
Comment: This sequence change replaces arginine, which is basic and polar, with glutamine, which is neutral and polar, at codon 451 of the CTNNA1 protein (p.Arg451Gln). This variant is present in population databases (rs773756164, gnomAD 0.04%), and has an allele count higher than expected for a pathogenic variant. This variant has not been reported in the literature in individuals affected with CTNNA1-related conditions. ClinVar contains an entry for this variant (Variation ID: 647541). Invitae Evidence Modeling of protein sequence and biophysical properties (such as structural, functional, and spatial information, amino acid conservation, physicochemical variation, residue mobility, and thermodynamic stability) indicates that this missense variant is not expected to disrupt CTNNA1 protein function with a negative predictive value of 80%. In summary, the available evidence is currently insufficient to determine the role of this variant in disease. Therefore, it has been classified as a Variant of Uncertain Significance.

Baylor Genetics
Classification: Uncertain significance for Patterned macular dystrophy 2. Last evaluated: 2023-06-09. Review status: criteria provided, single submitter. Criteria: ACMG Guidelines, 2015. Collection method: clinical testing. Allele origin: unknown.

Ambry Genetics
Classification: Benign for Hereditary cancer-predisposing syndrome. Last evaluated: 2021-08-18. Review status: criteria provided, single submitter. Criteria: Ambry Variant Classification Scheme 2023. Collection method: clinical testing. Allele origin: germline.

NM_001903.5(CTNNA1):c.1352G>A (p.Arg451Gln)

Gene: CTNNA1 (catenin alpha 1; plus strand). Cytogenetic location: 5q31.2.
Variant type: single nucleotide variant.
Coding change: c.1352G>A on transcript NM_001903.5 (MANE Select); coding-DNA position 1352, G replaced by A.
Protein change: p.Arg451Gln; replaces arginine 451 with glutamine.
Molecular consequence: missense variant. On other transcripts: 5 prime UTR variant (6), intron variant (3).
Genome position (GRCh38, 1-based): chr5:138,904,404, G>A. VCF-style: chr5-138904404-G-A. GRCh37 (hg19) VCF-style: chr5-138240093-G-A.
Other names: c.1352G>A, p.Arg451Gln (NM_001290307.3, NM_001323982.2, NM_001323983.1 and 2 more transcripts); c.1043G>A, p.Arg348Gln (NM_001290309.3); c.983G>A, p.Arg328Gln (NM_001290310.3); c.242G>A, p.Arg81Gln (NM_001290312.1, NM_001323987.1, NM_001323988.1 and 17 more transcripts); c.-156G>A (NM_001324006.1, NM_001324007.1, NM_001324008.1 and 1 more transcripts); c.-2G>A (NM_001324012.1, NM_001324013.1); c.1297-13338G>A (NM_001323986.2); c.187-13338G>A (NM_001324011.1); and 1 more; short protein forms R328Q, R81Q, R348Q, R451Q.
Identifiers: ClinVar variation 647541 (VCV000647541.12), dbSNP rs773756164, ClinGen allele CA3431924.
Genomic context (GRCh38, chr5:138,904,404, plus strand): 5'-TATAGGTTGCCAACTTGGCCTGTTCCATCTCAAATAATGAAGAAGGTGTAAAGCTTGTTC[G>A]AATGTCTGCAAGCCAGTTAGAAGCCCTCTGTCCTCAGGTAAAGTACAACTGACACTGGTG-3'
Protein context (NP_001894.2, residues 441-461): SNNEEGVKLV[Arg451Gln]MSASQLEALC